The following is an entry in ClinVar:

NM_000552.5(VWF):c.6901+14C>T

Gene: VWF (von Willebrand factor; minus strand). Cytogenetic location: 12p13.31.
Variant type: single nucleotide variant.
Coding change: c.6901+14C>T on transcript NM_000552.5 (MANE Select); 14 bases into the intron after coding-DNA position 6901, C replaced by T.
Molecular consequence: intron variant.
Genome position (GRCh38, 1-based): chr12:5,985,549, G>A on the plus strand (C>T on the coding strand, the complement: VWF is on the minus strand). VCF-style: chr12-5985549-G-A. GRCh37 (hg19) VCF-style: chr12-6094715-G-A.
Other names: c.6901+14C>T (NM_000552.4).
Identifiers: ClinVar variation 2428744 (VCV002428744.10), dbSNP rs202001513, ClinGen allele CA6401868.
Genomic context (GRCh38, chr12:5,985,549, plus strand): 5'-AAGATGGGTGGCTGGGGGGCCTTGCAGGGGCCCTTGTTCCTCCATGAAGGCACCAGGGAG[G>A]GGAGGACTCTCACCTTTGGCCGTGGGGCAGGGCTGCGTTGTGCAGTTGACCTTCCGCCCG-3'

ClinVar aggregate classification (germline): Likely benign. Review status: criteria provided, multiple submitters, no conflicts (2 of 4 stars). 4 submissions from 4 submitters: Likely benign (4). Last evaluated 2026-03-01.

Allele frequency attached by ClinVar (database versions not stated): gnomAD exomes 0.00023; ExAC 0.00085; 1000 Genomes Project 0.00180; 1000 Genomes Project 30x 0.00203; ESP Exome Variant Server 0.00238; gnomAD 0.00257; TOPMed 0.00292.
gnomAD v4.1: 747 of 1,613,172 alleles (0.046%); highest among the groups gnomAD compares: African/African-American, 0.87%; 6 homozygotes.

Submissions (4):

CeGaT Center for Human Genetics Tuebingen
Classification: Likely benign. Last evaluated: 2026-03-01. Review status: criteria provided, single submitter. Criteria: CeGaT Center For Human Genetics Tuebingen Variant Classification Criteria Version 2. Collection method: clinical testing. Allele origin: germline. Affected: yes. Observed: 1 variant allele.
Comment: VWF: BS2

ARUP Laboratories, Molecular Genetics and Genomics, ARUP Laboratories
Classification: Likely benign. Last evaluated: 2023-10-06. Review status: criteria provided, single submitter. Criteria: ARUP Molecular Germline Variant Investigation Process 2024. Collection method: clinical testing. Allele origin: germline.

Women's Health and Genetics/Laboratory Corporation of America, LabCorp
Classification: Likely benign. Last evaluated: 2023-09-06. Review status: criteria provided, single submitter. Criteria: LabCorp Variant Classification Summary - May 2015. Collection method: clinical testing. Allele origin: germline.

Blueprint Genetics
Classification: Likely benign. Last evaluated: 2022-12-23. Review status: criteria provided, single submitter. Criteria: ACMG Guidelines, 2015. Collection method: clinical testing. Allele origin: germline.